The following is an entry in ClinVar:

ClinVar aggregate classification (germline): Conflicting classifications of pathogenicity. Review status: criteria provided, conflicting classifications (1 of 4 stars). 3 submissions from 3 submitters: Likely pathogenic (2); Uncertain significance (1). Last evaluated 2023-08-11.

Conditions:
Aplastic anemia. Identifiers: Orphanet 182040, Orphanet 88, MedGen C0002874, MONDO:0015909, OMIM 609135, HP:0001915.
Microcephaly, normal intelligence and immunodeficiency (NBS). Also called: IMMUNODEFICIENCY, MICROCEPHALY, AND CHROMOSOMAL INSTABILITY; SEEMANOVA SYNDROME II; Nijmegen breakage syndrome; Microcephaly with normal intelligence immunodeficiency and lymphoreticular malignancies; Nonsyndromal microcephaly autosomal recessive with normal intelligence; Seemanova syndrome 2. Identifiers: Orphanet 647, MedGen C0398791, MONDO:0009623, OMIM 251260.
Hereditary cancer-predisposing syndrome. Also called: Tumor predisposition; Neoplastic Syndromes, Hereditary; Hereditary Cancer Syndrome; Hereditary neoplastic syndrome. Identifiers: Orphanet 140162, MedGen C0027672, MeSH D009386, MONDO:0015356.

Submissions (3):

Labcorp Genetics (formerly Invitae), Labcorp
Classification: Uncertain significance for Microcephaly, normal intelligence and immunodeficiency. Last evaluated: 2023-08-11. Review status: criteria provided, single submitter. Criteria: Invitae Variant Classification Sherloc (09022015). Collection method: clinical testing. Allele origin: germline.
Comment: This variant is not present in population databases (gnomAD no frequency). In summary, the available evidence is currently insufficient to determine the role of this variant in disease. Therefore, it has been classified as a Variant of Uncertain Significance. Experimental studies and prediction algorithms are not available or were not evaluated, and the functional significance of this variant is currently unknown. ClinVar contains an entry for this variant (Variation ID: 1788222). This premature translational stop signal has been observed in individual(s) with renal cancer (PMID: 32782288). This sequence change creates a premature translational stop signal (p.Tyr746*) in the NBN gene. While this is not anticipated to result in nonsense mediated decay, it is expected to disrupt the last 9 amino acid(s) of the NBN protein.

Baylor Genetics
Classification: Likely pathogenic for Aplastic anemia. Last evaluated: 2023-06-01. Review status: criteria provided, single submitter. Criteria: ACMG Guidelines, 2015. Collection method: clinical testing. Allele origin: unknown.

Ambry Genetics
Classification: Likely pathogenic for Hereditary cancer-predisposing syndrome. Last evaluated: 2015-12-23. Review status: criteria provided, single submitter. Criteria: Ambry Variant Classification Scheme 2023. Collection method: clinical testing. Allele origin: germline.
Comment: The c.2238delC variant, located in coding exon 16 of the NBN gene, results from a deletion of one nucleotide at nucleotide position 2238, causing a translational frameshift with a predicted alternate stop codon. Per ACMG guidelines this variant could be interpreted as a disease-causing mutation (ACMG Recommendations for Standards for Interpretation and Reporting of Sequence Variations. Revision 2007. Genet Med 2008;10:294). This alteration occurs in the last coding exon of the NBN gene, so while it is truncating, the mRNA may escape nonsense mediated decay (NMD). Premature termination codons located either in the last exon or within 50-55 nucleotides upstream of the 3'-most exon-exon junction usually fails to elicit NMD (Maquat, 2004). However, this truncation occurs in an ATM binding domain, and upstream of a nuclear localization signal. Based on the majority of available evidence to date, this variant is likely to be pathogenic.

Literature cited by the submitters: PubMed 32782288 (cited by Labcorp Genetics (formerly Invitae), Labcorp).

NM_002485.5(NBN):c.2238del (p.Arg745_Tyr746insTer)

Gene: NBN (nibrin; minus strand). Cytogenetic location: 8q21.3.
Variant type: Deletion.
Coding change: c.2238del on transcript NM_002485.5 (MANE Select); coding-DNA position 2238, one base deleted (C; older notation c.2238delC).
Protein change: p.Arg745_Tyr746insTer.
Molecular consequence: nonsense.
Genome position (GRCh38, 1-based): chr8:89,935,609, G deleted on the plus strand (C on the coding strand, the reverse complement: NBN is on the minus strand). VCF-style (leftmost placement, unchanged base first): chr8-89935608-TG-T. GRCh37 (hg19) VCF-style: chr8-90947836-TG-T.
Other names: c.1992del, p.Arg663_Tyr664insTer (NM_001024688.3).
Identifiers: ClinVar variation 1788222 (VCV001788222.6), dbSNP rs2488163496, ClinGen allele CA2580078992.